The following is an entry in ClinVar:

NM_000551.4(VHL):c.8G>A (p.Arg3Gln)

Gene: VHL (von Hippel-Lindau tumor suppressor; plus strand). Cytogenetic location: 3p25.3.
Variant type: single nucleotide variant.
Coding change: c.8G>A on transcript NM_000551.4 (MANE Select); coding-DNA position 8, G replaced by A.
Protein change: p.Arg3Gln; replaces arginine 3 with glutamine.
Molecular consequence: missense variant.
Genome position (GRCh38, 1-based): chr3:10,141,855, G>A. VCF-style: chr3-10141855-G-A. GRCh37 (hg19) VCF-style: chr3-10183539-G-A.
Other names: c.8G>A, p.Arg3Gln (NM_001354723.2, NM_198156.3); short protein forms R3Q.
Identifiers: ClinVar variation 1404711 (VCV001404711.9), dbSNP rs1178481595, ClinGen allele CA351747018.
Genomic context (GRCh38, chr3:10,141,855, plus strand): 5'-CCGACCCGCGGATCCCGCGGCGTCCGGCCCGGGTGGTCTGGATCGCGGAGGGAATGCCCC[G>A]GAGGGCGGAGAACTGGGACGAGGCCGAGGTAGGCGCGGAGGAGGCAGGCGTCGAAGAGTA-3'
Protein context (NP_000542.1, residues 1-13): MP[Arg3Gln]RAENWDEAEV

ClinVar aggregate classification (germline): Uncertain significance. Review status: criteria provided, multiple submitters, no conflicts (2 of 4 stars). 2 submissions from 2 submitters: Uncertain significance (2). Last evaluated 2025-01-19.

Conditions:
Chuvash polycythemia. Also called: POLYCYTHEMIA, VHL-DEPENDENT. Identifiers: Orphanet 238557, MedGen C1837915, MONDO:0009892, OMIM 263400.
Von Hippel-Lindau syndrome (VHLS). Also called: von Hippel–Lindau syndrome; Von Hippel-Lindau; VHL syndrome. Identifiers: Orphanet 892, MedGen C0019562, MONDO:0008667, OMIM 193300. Disease mechanism: loss of function.
Hereditary cancer-predisposing syndrome. Also called: Neoplastic Syndromes, Hereditary; Hereditary neoplastic syndrome; Hereditary Cancer Syndrome; Tumor predisposition. Identifiers: Orphanet 140162, MedGen C0027672, MeSH D009386, MONDO:0015356.

gnomAD v4.1: 1 of 1,535,690 alleles (0.000065%); highest among the groups gnomAD compares: African/African-American, 0.0014%; no homozygotes.

Submissions (2):

Ambry Genetics
Classification: Uncertain significance for Hereditary cancer-predisposing syndrome. Last evaluated: 2025-01-19. Review status: criteria provided, single submitter. Criteria: Ambry Variant Classification Scheme 2023. Collection method: clinical testing. Allele origin: germline.
Comment: The p.R3Q variant (also known as c.8G>A), located in coding exon 1 of the VHL gene, results from a G to A substitution at nucleotide position 8. The arginine at codon 3 is replaced by glutamine, an amino acid with highly similar properties. This amino acid position is not well conserved in available vertebrate species. In addition, this alteration is predicted to be tolerated by in silico analysis. Based on the available evidence, the clinical significance of this variant remains unclear.

Labcorp Genetics (formerly Invitae), Labcorp
Classification: Uncertain significance for Von Hippel-Lindau syndrome; Chuvash polycythemia. Last evaluated: 2025-01-06. Review status: criteria provided, single submitter. Criteria: Invitae Variant Classification Sherloc (09022015). Collection method: clinical testing. Allele origin: germline.
Comment: This sequence change replaces arginine, which is basic and polar, with glutamine, which is neutral and polar, at codon 3 of the VHL protein (p.Arg3Gln). This variant is not present in population databases (gnomAD no frequency). This variant has not been reported in the literature in individuals affected with VHL-related conditions. ClinVar contains an entry for this variant (Variation ID: 1404711). Invitae Evidence Modeling of protein sequence and biophysical properties (such as structural, functional, and spatial information, amino acid conservation, physicochemical variation, residue mobility, and thermodynamic stability) indicates that this missense variant is not expected to disrupt VHL protein function with a negative predictive value of 95%. In summary, the available evidence is currently insufficient to determine the role of this variant in disease. Therefore, it has been classified as a Variant of Uncertain Significance.